The following is an entry in ClinVar:

NM_172364.5(CACNA2D4):c.1960C>T (p.Arg654Trp)

Gene: CACNA2D4 (calcium voltage-gated channel auxiliary subunit alpha2delta 4; minus strand). Cytogenetic location: 12p13.33.
Variant type: single nucleotide variant.
Coding change: c.1960C>T on transcript NM_172364.5 (MANE Select); coding-DNA position 1960, C replaced by T.
Protein change: p.Arg654Trp; replaces arginine 654 with tryptophan.
Molecular consequence: missense variant.
Genome position (GRCh38, 1-based): chr12:1,858,625, G>A on the plus strand (C>T on the coding strand, the complement: CACNA2D4 is on the minus strand). VCF-style: chr12-1858625-G-A. GRCh37 (hg19) VCF-style: chr12-1967791-G-A.
Other names: c.1960C>T (NM_172364.4); short protein forms R654W.
Identifiers: ClinVar variation 1382287 (VCV001382287.8), dbSNP rs754788510, ClinGen allele CA6386911.

ClinVar aggregate classification (germline): Uncertain significance. Review status: criteria provided, multiple submitters, no conflicts (2 of 4 stars). 3 submissions from 3 submitters: Uncertain significance (3). Last evaluated 2025-05-13.

Conditions:
Inborn genetic diseases. Identifiers: MedGen C0950123, MeSH D030342.

Allele frequency attached by ClinVar (database versions not stated): gnomAD exomes 0.00001 and 0.00002; gnomAD 0.00002; ExAC 0.00003; TOPMed 0.00003.
gnomAD v4.1: 16 of 1,609,312 alleles (0.00099%); highest among the groups gnomAD compares: Admixed American, 0.005%; no homozygotes.

Submissions (3):

Labcorp Genetics (formerly Invitae), Labcorp
Classification: Uncertain significance. Last evaluated: 2025-05-13. Review status: criteria provided, single submitter. Criteria: Invitae Variant Classification Sherloc (09022015). Collection method: clinical testing. Allele origin: germline.
Comment: This sequence change replaces arginine, which is basic and polar, with tryptophan, which is neutral and slightly polar, at codon 654 of the CACNA2D4 protein (p.Arg654Trp). This variant is present in population databases (rs754788510, gnomAD 0.005%). This variant has not been reported in the literature in individuals affected with CACNA2D4-related conditions. ClinVar contains an entry for this variant (Variation ID: 1382287). An algorithm developed to predict the effect of missense changes on protein structure and function (PolyPhen-2) suggests that this variant is likely to be tolerated. In summary, the available evidence is currently insufficient to determine the role of this variant in disease. Therefore, it has been classified as a Variant of Uncertain Significance.

Ambry Genetics
Classification: Uncertain significance for Inborn genetic diseases. Last evaluated: 2023-02-28. Review status: criteria provided, single submitter. Criteria: Ambry Variant Classification Scheme 2023. Collection method: clinical testing. Allele origin: germline.

Blueprint Genetics
Classification: Uncertain significance. Last evaluated: 2022-08-11. Review status: criteria provided, single submitter. Criteria: ACMG Guidelines, 2015. Collection method: clinical testing. Allele origin: germline.